The following is an entry in ClinVar:

NM_012281.3(KCND2):c.1613T>C (p.Phe538Ser)

Gene: KCND2 (potassium voltage-gated channel subfamily D member 2; plus strand). Cytogenetic location: 7q31.31.
Variant type: single nucleotide variant.
Coding change: c.1613T>C on transcript NM_012281.3 (MANE Select); coding-DNA position 1613, T replaced by C.
Protein change: p.Phe538Ser; replaces phenylalanine 538 with serine.
Molecular consequence: missense variant.
Genome position (GRCh38, 1-based): chr7:120,745,925, T>C. VCF-style: chr7-120745925-T-C. GRCh37 (hg19) VCF-style: chr7-120385979-T-C.
Other names: short protein forms F538S.
Identifiers: ClinVar variation 2965662 (VCV002965662.3), dbSNP rs773411803, ClinGen allele CA4453725.

ClinVar aggregate classification (germline): Uncertain significance (1 of 4 stars; one submission).

Conditions:
Early Myoclonic Encephalopathy. Identifiers: MedGen C0270855.

Allele frequency attached by ClinVar (database versions not stated): ExAC 0.00003; gnomAD 0.00001; TOPMed 0.00001.
gnomAD v4.1: 29 of 1,613,772 alleles (0.0018%); highest among the groups gnomAD compares: South Asian, 0.027%; no homozygotes.

Submission:

Labcorp Genetics (formerly Invitae), Labcorp
Classification: Uncertain significance for Early Myoclonic Encephalopathy. Last evaluated: 2025-04-18. Review status: criteria provided, single submitter. Criteria: Invitae Variant Classification Sherloc (09022015). Collection method: clinical testing. Allele origin: germline.
Comment: This sequence change replaces phenylalanine, which is neutral and non-polar, with serine, which is neutral and polar, at codon 538 of the KCND2 protein (p.Phe538Ser). This variant is present in population databases (rs773411803, gnomAD 0.03%). This variant has not been reported in the literature in individuals affected with KCND2-related conditions. ClinVar contains an entry for this variant (Variation ID: 2965662). Invitae Evidence Modeling of protein sequence and biophysical properties (such as structural, functional, and spatial information, amino acid conservation, physicochemical variation, residue mobility, and thermodynamic stability) indicates that this missense variant is not expected to disrupt KCND2 protein function with a negative predictive value of 95%. In summary, the available evidence is currently insufficient to determine the role of this variant in disease. Therefore, it has been classified as a Variant of Uncertain Significance.